The following is an entry in ClinVar:

ClinVar aggregate classification (germline): Conflicting classifications of pathogenicity. Review status: criteria provided, conflicting classifications (1 of 4 stars). 2 submissions from 2 submitters: Uncertain significance (1); Likely benign (1). Last evaluated 2025-10-28.

Conditions:
Cardiovascular phenotype. Identifiers: MedGen CN230736.

Allele frequency attached by ClinVar (database versions not stated): gnomAD exomes 0.00003 and 0.00006; gnomAD 0.00005 and 0.00006; ExAC 0.00009; ESP Exome Variant Server 0.00014; TOPMed 0.00005.

Submissions (2):

Ambry Genetics
Classification: Likely benign for Cardiovascular phenotype. Last evaluated: 2025-10-28. Review status: criteria provided, single submitter. Criteria: Ambry Variant Classification Scheme 2023. Collection method: clinical testing. Allele origin: germline.

GeneDx
Classification: Uncertain significance. Last evaluated: 2024-06-27. Review status: criteria provided, single submitter. Criteria: GeneDx Variant Classification Process June 2021. Collection method: clinical testing. Allele origin: germline. Affected: yes.
Comment: Has not been previously published as pathogenic or benign to our knowledge; In silico analysis supports that this missense variant has a deleterious effect on protein structure/function

NM_001365276.2(TNXB):c.7205G>T (p.Ser2402Ile)

Gene: TNXB (tenascin XB; minus strand). Cytogenetic location: 6p21.33.
Variant type: single nucleotide variant.
Coding change: c.7205G>T on transcript NM_001365276.2 (MANE Select); coding-DNA position 7205, G replaced by T.
Protein change: p.Ser2402Ile; replaces serine 2402 with isoleucine.
Molecular consequence: missense variant.
Genome position (GRCh38, 1-based): chr6:32,061,684, C>A on the plus strand (G>T on the coding strand, the complement: TNXB is on the minus strand). VCF-style: chr6-32061684-C-A. GRCh37 (hg19) VCF-style: chr6-32029461-C-A.
Other names: c.7205G>T, p.Ser2402Ile (NM_019105.8); short protein forms S2402I.
Identifiers: ClinVar variation 1209099 (VCV001209099.8), dbSNP rs377384792, ClinGen allele CA3734218.
Genomic context (GRCh38, chr6:32,061,684, plus strand): 5'-GATCCTGTCACTGTTAGCTCCCCCAGGAGCGGCTCCTCAGGGGGCTCCGGGGCCTCCATG[C>A]TGGGTTCTGTGGGGCTGGGGGTCTCTTCCTCTGCAGCTGAGAAAAAGGGACACAGAGAGG-3'
Protein context (NP_001352205.1, residues 2392-2412): EEETPSPTEP[Ser2402Ile]MEAPEPPEEP